The following is an entry in ClinVar:

NM_000540.3(RYR1):c.14423T>G (p.Phe4808Cys)

Gene: RYR1 (ryanodine receptor 1; plus strand). Cytogenetic location: 19q13.2.
Variant type: single nucleotide variant.
Coding change: c.14423T>G on transcript NM_000540.3 (MANE Select); coding-DNA position 14423, T replaced by G.
Protein change: p.Phe4808Cys; replaces phenylalanine 4808 with cysteine.
Molecular consequence: missense variant.
Genome position (GRCh38, 1-based): chr19:38,580,040, T>G. VCF-style: chr19-38580040-T-G. GRCh37 (hg19) VCF-style: chr19-39070680-T-G.
Other names: c.14408T>G, p.Phe4803Cys (NM_001042723.2); short protein forms F4803C, F4808C.
Identifiers: ClinVar variation 665348 (VCV000665348.8), dbSNP rs1274780855, ClinGen allele CA405687050.

ClinVar aggregate classification (germline): Likely pathogenic (1 of 4 stars; one submission).

Conditions:
RYR1-related disorder. Also called: RYR1-related condition; RYR1-related disorders. Identifiers: MedGen CN239331.

Submission:

Labcorp Genetics (formerly Invitae), Labcorp
Classification: Likely pathogenic for RYR1-related disorder. Last evaluated: 2023-06-02. Review status: criteria provided, single submitter. Criteria: Invitae Variant Classification Sherloc (09022015). Collection method: clinical testing. Allele origin: germline.
Comment: Advanced modeling of protein sequence and biophysical properties (such as structural, functional, and spatial information, amino acid conservation, physicochemical variation, residue mobility, and thermodynamic stability) performed at Invitae indicates that this missense variant is expected to disrupt RYR1 protein function. This sequence change replaces phenylalanine, which is neutral and non-polar, with cysteine, which is neutral and slightly polar, at codon 4808 of the RYR1 protein (p.Phe4808Cys). This variant is not present in population databases (gnomAD no frequency). This variant has not been reported in the literature in individuals affected with RYR1-related conditions. ClinVar contains an entry for this variant (Variation ID: 665348). This variant disrupts the p.Phe4808 amino acid residue in RYR1. Other variant(s) that disrupt this residue have been determined to be pathogenic (PMID: 12565913, 21455645, 23183335, 23394784, 27447704). This suggests that this residue is clinically significant, and that variants that disrupt this residue are likely to be disease-causing. In summary, the currently available evidence indicates that the variant is pathogenic, but additional data are needed to prove that conclusively. Therefore, this variant has been classified as Likely Pathogenic.

Literature cited by the submitters: PubMed 12565913; PubMed 21455645; PubMed 23183335; PubMed 23394784; PubMed 27447704.